The following is an entry in ClinVar:

NM_033380.3(COL4A5):c.1367C>T (p.Pro456Leu)

Gene: COL4A5 (collagen type IV alpha 5 chain; plus strand). Cytogenetic location: Xq22.3.
Variant type: single nucleotide variant.
Coding change: c.1367C>T on transcript NM_033380.3 (MANE Select); coding-DNA position 1367, C replaced by T.
Protein change: p.Pro456Leu; replaces proline 456 with leucine.
Molecular consequence: missense variant.
Genome position (GRCh38, 1-based): chrX:108,591,588, C>T. VCF-style: chrX-108591588-C-T. GRCh37 (hg19) VCF-style: chrX-107834818-C-T.
Other names: c.1367C>T, p.Pro456Leu (NM_000495.5); short protein forms P456L.
Identifiers: ClinVar variation 2186115 (VCV002186115.1), dbSNP rs2524284902, ClinGen allele CA413934454.
Genomic context (GRCh38, chrX:108,591,588, plus strand): 5'-ATTAGCTTGCTATCCTTTCTTTATCTTACTCAGGTGATGAGATATGTGAACCAGGCCCTC[C>T]AGGCCCCCCAGGATCTCCAGGTGATAAAGGACTCCAAGGAGAACAAGGAGTGAAAGGTTT-3'
Protein context (NP_203699.1, residues 446-466): PSDEICEPGP[Pro456Leu]GPPGSPGDKG

ClinVar aggregate classification (germline): Uncertain significance (1 of 4 stars; one submission).

Submission:

Labcorp Genetics (formerly Invitae), Labcorp
Classification: Uncertain significance. Last evaluated: 2019-10-29. Review status: criteria provided, single submitter. Criteria: Invitae Variant Classification Sherloc (09022015). Collection method: clinical testing. Allele origin: germline.
Comment: This sequence change replaces proline with leucine at codon 456 of the COL4A5 protein (p.Pro456Leu). The proline residue is moderately conserved and there is a moderate physicochemical difference between proline and leucine. This variant is not present in population databases (ExAC no frequency). This variant has not been reported in the literature in individuals with COL4A5-related conditions. In summary, the available evidence is currently insufficient to determine the role of this variant in disease. Therefore, it has been classified as a Variant of Uncertain Significance.